The following is an entry in ClinVar:

ClinVar aggregate classification (germline): Uncertain significance (1 of 4 stars; one submission).

Conditions:
Ullrich congenital muscular dystrophy 2 (UCMD2). Identifiers: Orphanet 75840, MedGen C4225314, MONDO:0014654, OMIM 616470.
Bethlem myopathy 2 (BTHLM2). Identifiers: Orphanet 536516, Orphanet 610, MedGen C4225313, MONDO:0034022, OMIM 616471.

Submission:

Labcorp Genetics (formerly Invitae), Labcorp
Classification: Uncertain significance for Bethlem myopathy 2; Ullrich congenital muscular dystrophy 2. Last evaluated: 2025-03-10. Review status: criteria provided, single submitter. Criteria: Invitae Variant Classification Sherloc (09022015). Collection method: clinical testing. Allele origin: germline.
Comment: This sequence change replaces arginine, which is basic and polar, with glycine, which is neutral and non-polar, at codon 821 of the COL12A1 protein (p.Arg821Gly). This variant is not present in population databases (gnomAD no frequency). This variant has not been reported in the literature in individuals affected with COL12A1-related conditions. ClinVar contains an entry for this variant (Variation ID: 1043736). Invitae Evidence Modeling of protein sequence and biophysical properties (such as structural, functional, and spatial information, amino acid conservation, physicochemical variation, residue mobility, and thermodynamic stability) indicates that this missense variant is not expected to disrupt COL12A1 protein function with a negative predictive value of 80%. In summary, the available evidence is currently insufficient to determine the role of this variant in disease. Therefore, it has been classified as a Variant of Uncertain Significance.

NM_004370.6(COL12A1):c.2461A>G (p.Arg821Gly)

Gene: COL12A1 (collagen type XII alpha 1 chain; minus strand). Cytogenetic location: 6q13.
Variant type: single nucleotide variant.
Coding change: c.2461A>G on transcript NM_004370.6 (MANE Select); coding-DNA position 2461, A replaced by G.
Protein change: p.Arg821Gly; replaces arginine 821 with glycine.
Molecular consequence: missense variant. On other transcripts: intron variant (1).
Genome position (GRCh38, 1-based): chr6:75,175,287, T>C on the plus strand (A>G on the coding strand, the complement: COL12A1 is on the minus strand). VCF-style: chr6-75175287-T-C. GRCh37 (hg19) VCF-style: chr6-75885003-T-C.
Other names: c.74-22805A>G (NM_080645.3); short protein forms R821G.
Identifiers: ClinVar variation 1043736 (VCV001043736.9), dbSNP rs1768877676, ClinGen allele CA364762597.